The following is an entry in ClinVar:

NM_000243.3(MEFV):c.1284G>T (p.Glu428Asp)

Gene: MEFV (MEFV innate immunity regulator, pyrin; minus strand). Cytogenetic location: 16p13.3.
Variant type: single nucleotide variant.
Coding change: c.1284G>T on transcript NM_000243.3 (MANE Select); coding-DNA position 1284, G replaced by T.
Protein change: p.Glu428Asp; replaces glutamic acid 428 with aspartic acid.
Molecular consequence: missense variant.
Genome position (GRCh38, 1-based): chr16:3,248,981, C>A on the plus strand (G>T on the coding strand, the complement: MEFV is on the minus strand). VCF-style: chr16-3248981-C-A. GRCh37 (hg19) VCF-style: chr16-3298981-C-A.
Other names: c.651G>T, p.Glu217Asp (NM_001198536.2); short protein forms E428D, E217D.
Identifiers: ClinVar variation 2161393 (VCV002161393.2), dbSNP rs1489656593, ClinGen allele CA394468429.

ClinVar aggregate classification (germline): Uncertain significance (1 of 4 stars; one submission).

Conditions:
Familial Mediterranean fever (FMF). Also called: POLYSEROSITIS, FAMILIAL PAROXYSMAL; POLYSEROSITIS, RECURRENT; Periodic peritonitis; Benign paroxysmal peritonitis. Identifiers: Orphanet 342, MedGen C0031069, MONDO:0018088, OMIM 249100. Disease mechanism: gain of function.

Allele frequency attached by ClinVar (database versions not stated): gnomAD 0.00001; TOPMed below 0.00001; gnomAD exomes below 0.00001.
gnomAD v4.1: 2 of 1,614,132 alleles (0.00012%); highest among the groups gnomAD compares: Non-Finnish European, 0.00017%; no homozygotes.

Submission:

Labcorp Genetics (formerly Invitae), Labcorp
Classification: Uncertain significance for Familial Mediterranean fever. Last evaluated: 2023-12-11. Review status: criteria provided, single submitter. Criteria: Invitae Variant Classification Sherloc (09022015). Collection method: clinical testing. Allele origin: germline.
Comment: This sequence change replaces glutamic acid, which is acidic and polar, with aspartic acid, which is acidic and polar, at codon 428 of the MEFV protein (p.Glu428Asp). This variant is not present in population databases (gnomAD no frequency). This variant has not been reported in the literature in individuals affected with MEFV-related conditions. ClinVar contains an entry for this variant (Variation ID: 2161393). Algorithms developed to predict the effect of missense changes on protein structure and function output the following: SIFT: "Not Available"; PolyPhen-2: "Benign"; Align-GVGD: "Not Available". The aspartic acid amino acid residue is found in multiple mammalian species, which suggests that this missense change does not adversely affect protein function. In summary, the available evidence is currently insufficient to determine the role of this variant in disease. Therefore, it has been classified as a Variant of Uncertain Significance.